The following is an entry in ClinVar:

ClinVar aggregate classification (germline): Uncertain significance (1 of 4 stars; one submission).

Conditions:
Specific granule deficiency. Identifiers: Orphanet 169142, MedGen C0398593, MONDO:0009506.

Allele frequency attached by ClinVar (database versions not stated): gnomAD exomes below 0.00001; TOPMed 0.00001.
gnomAD v4.1: 5 of 1,614,080 alleles (0.00031%); highest among the groups gnomAD compares: Admixed American, 0.0017%; no homozygotes.

Submission:

Labcorp Genetics (formerly Invitae), Labcorp
Classification: Uncertain significance for Specific granule deficiency. Last evaluated: 2022-02-28. Review status: criteria provided, single submitter. Criteria: Invitae Variant Classification Sherloc (09022015). Collection method: clinical testing. Allele origin: germline.
Comment: This variant is present in population databases (no rsID available, gnomAD 0.0009%). This variant has not been reported in the literature in individuals affected with CEBPE-related conditions. Algorithms developed to predict the effect of missense changes on protein structure and function (SIFT, PolyPhen-2, Align-GVGD) all suggest that this variant is likely to be tolerated. In summary, the available evidence is currently insufficient to determine the role of this variant in disease. Therefore, it has been classified as a Variant of Uncertain Significance. This sequence change replaces leucine, which is neutral and non-polar, with phenylalanine, which is neutral and non-polar, at codon 53 of the CEBPE protein (p.Leu53Phe).

NM_001805.4(CEBPE):c.157C>T (p.Leu53Phe)

Gene: CEBPE (CCAAT enhancer binding protein epsilon; minus strand). Cytogenetic location: 14q11.2.
Variant type: single nucleotide variant.
Coding change: c.157C>T on transcript NM_001805.4 (MANE Select); coding-DNA position 157, C replaced by T.
Protein change: p.Leu53Phe; replaces leucine 53 with phenylalanine.
Molecular consequence: missense variant.
Genome position (GRCh38, 1-based): chr14:23,118,935, G>A on the plus strand (C>T on the coding strand, the complement: CEBPE is on the minus strand). VCF-style: chr14-23118935-G-A. GRCh37 (hg19) VCF-style: chr14-23588144-G-A.
Other names: short protein forms L53F.
Identifiers: ClinVar variation 2104913 (VCV002104913.3), dbSNP rs1303931802, ClinGen allele CA388953727.